The following is an entry in ClinVar:

NM_007078.3(LDB3):c.83C>G (p.Thr28Ser)

Gene: LDB3 (LIM domain binding 3; plus strand). Cytogenetic location: 10q23.2.
Variant type: single nucleotide variant.
Coding change: c.83C>G on transcript NM_007078.3 (MANE Select); coding-DNA position 83, C replaced by G.
Protein change: p.Thr28Ser; replaces threonine 28 with serine.
Molecular consequence: missense variant.
Genome position (GRCh38, 1-based): chr10:86,668,774, C>G. VCF-style: chr10-86668774-C-G. GRCh37 (hg19) VCF-style: chr10-88428531-C-G.
Other names: c.83C>G, p.Thr28Ser (NM_001080114.2, NM_001080115.2, NM_001080116.1 and 8 more transcripts); short protein forms T28S.
Identifiers: ClinVar variation 3686765 (VCV003686765.2).

ClinVar aggregate classification (germline): Uncertain significance (1 of 4 stars; one submission).

Conditions:
Myofibrillar myopathy 4. Also called: Zaspopathy (type). Identifiers: Orphanet 98912, MedGen C4721886, MONDO:0012277, OMIM 609452.

gnomAD v4.1: 1 of 1,612,972 alleles (0.000062%); highest among the groups gnomAD compares: Non-Finnish European, 0.000085%; no homozygotes.

Submission:

Labcorp Genetics (formerly Invitae), Labcorp
Classification: Uncertain significance for Myofibrillar myopathy 4. Last evaluated: 2024-02-14. Review status: criteria provided, single submitter. Criteria: Invitae Variant Classification Sherloc (09022015). Collection method: clinical testing. Allele origin: germline.
Comment: This sequence change replaces threonine, which is neutral and polar, with serine, which is neutral and polar, at codon 28 of the LDB3 protein (p.Thr28Ser). This variant is not present in population databases (gnomAD no frequency). This variant has not been reported in the literature in individuals affected with LDB3-related conditions. An algorithm developed to predict the effect of missense changes on protein structure and function (PolyPhen-2) suggests that this variant is likely to be disruptive. In summary, the available evidence is currently insufficient to determine the role of this variant in disease. Therefore, it has been classified as a Variant of Uncertain Significance.